The following is an entry in ClinVar:

ClinVar aggregate classification (germline): Uncertain significance (1 of 4 stars; one submission).

Allele frequency attached by ClinVar (database versions not stated): gnomAD exomes below 0.00001.
gnomAD v4.1: 6 of 1,600,948 alleles (0.00037%); highest among the groups gnomAD compares: Admixed American, 0.0017%; no homozygotes.

Submission:

Labcorp Genetics (formerly Invitae), Labcorp
Classification: Uncertain significance. Last evaluated: 2021-09-01. Review status: criteria provided, single submitter. Criteria: Invitae Variant Classification Sherloc (09022015). Collection method: clinical testing. Allele origin: germline.
Comment: This sequence change falls in intron 26 of the MTHFD1 gene. It does not directly change the encoded amino acid sequence of the MTHFD1 protein. This variant is not present in population databases (ExAC no frequency). This variant has not been reported in the literature in individuals affected with MTHFD1-related conditions. Algorithms developed to predict the effect of sequence changes on RNA splicing suggest that this variant may disrupt the consensus splice site. In summary, the available evidence is currently insufficient to determine the role of this variant in disease. Therefore, it has been classified as a Variant of Uncertain Significance.

NM_005956.4(MTHFD1):c.2719-6T>A

Genes: MTHFD1 (methylenetetrahydrofolate dehydrogenase, cyclohydrolase and formyltetrahydrofolate synthetase 1; plus strand), ZBTB25 (zinc finger and BTB domain containing 25; minus strand). Cytogenetic location: 14q23.3.
Variant type: single nucleotide variant.
Coding change: c.2719-6T>A on transcript NM_005956.4 (MANE Select); 6 bases into the intron before coding-DNA position 2719, T replaced by A.
Molecular consequence: intron variant.
Genome position (GRCh38, 1-based): chr14:64,458,208, T>A. VCF-style: chr14-64458208-T-A. GRCh37 (hg19) VCF-style: chr14-64924926-T-A.
Other names: c.2719-1551T>A (NM_001364837.1); c.174-8570A>T (NM_001304508.1).
Identifiers: ClinVar variation 1408132 (VCV001408132.6), dbSNP rs2078506200, ClinGen allele CA2142680776.
Genomic context (GRCh38, chr14:64,458,208, plus strand): 5'-TGGGATTATAGGCGTGAGCCACTGTGCCCAGCATTAGTTTATTTGTAATGCTTTTTTACA[T>A]CCTAGATGAGCACAATGCCTGGACTCCCCACCCGGCCCTGTTTTTATGATATTGATTTGG-3'